The following is an entry in ClinVar:

ClinVar aggregate classification (germline): Uncertain significance (1 of 4 stars; one submission).

Conditions:
Cardiovascular phenotype. Identifiers: MedGen CN230736.

Submission:

Ambry Genetics
Classification: Uncertain significance for Cardiovascular phenotype. Last evaluated: 2022-06-16. Review status: criteria provided, single submitter. Criteria: Ambry Variant Classification Scheme 2023. Collection method: clinical testing. Allele origin: germline.
Comment: The p.N222Y variant (also known as c.664A>T), located in coding exon 5 of the CACNA1C gene, results from an A to T substitution at nucleotide position 664. The asparagine at codon 222 is replaced by tyrosine, an amino acid with dissimilar properties. This amino acid position is not well conserved in available vertebrate species. In addition, the in silico prediction for this alteration is inconclusive. Since supporting evidence is limited at this time, the clinical significance of this alteration remains unclear.

NM_000719.7(CACNA1C):c.664A>T (p.Asn222Tyr)

Gene: CACNA1C (calcium voltage-gated channel subunit alpha1 C; plus strand). Cytogenetic location: 12p13.33.
Variant type: single nucleotide variant.
Coding change: c.664A>T on transcript NM_000719.7 (MANE Select); coding-DNA position 664, A replaced by T.
Protein change: p.Asn222Tyr; replaces asparagine 222 with tyrosine.
Molecular consequence: missense variant.
Genome position (GRCh38, 1-based): chr12:2,457,613, A>T. VCF-style: chr12-2457613-A-T. GRCh37 (hg19) VCF-style: chr12-2566779-A-T.
Other names: c.664A>T, p.Asn222Tyr (NM_001129827.2, NM_001129829.2, NM_001129830.3 and 19 more transcripts); short protein forms N222Y.
Identifiers: ClinVar variation 1754676 (VCV001754676.2), dbSNP rs373085638, ClinGen allele CA383367723.